The following is an entry in ClinVar:

NM_000388.4(CASR):c.1048G>T (p.Glu350Ter)

Gene: CASR (calcium sensing receptor; plus strand). Cytogenetic location: 3q21.1.
Variant type: single nucleotide variant.
Coding change: c.1048G>T on transcript NM_000388.4 (MANE Select); coding-DNA position 1048, G replaced by T.
Protein change: p.Glu350Ter; replaces glutamic acid 350 with a stop codon.
Molecular consequence: nonsense.
Genome position (GRCh38, 1-based): chr3:122,262,083, G>T. VCF-style: chr3-122262083-G-T. GRCh37 (hg19) VCF-style: chr3-121980930-G-T.
Other names: c.1048G>T, p.Glu350Ter (NM_001178065.2); short protein forms E350*.
Identifiers: ClinVar variation 2954411 (VCV002954411.3), dbSNP rs2473227839, ClinGen allele CA354152371.

ClinVar aggregate classification (germline): Pathogenic (1 of 4 stars; one submission).

Conditions:
Autosomal dominant hypocalcemia 1 (HYPOC1). Also called: HYPOCALCEMIA, FAMILIAL. Identifiers: MedGen C3715128, MONDO:0011013, OMIM 601198.
Familial hypocalciuric hypercalcemia (FHH). Also called: Familial benign hypercalcemia. Identifiers: Orphanet 405, MedGen C1809471, MONDO:0018458.

Submission:

Labcorp Genetics (formerly Invitae), Labcorp
Classification: Pathogenic for Familial hypocalciuric hypercalcemia; Autosomal dominant hypocalcemia 1. Last evaluated: 2023-12-08. Review status: criteria provided, single submitter. Criteria: Invitae Variant Classification Sherloc (09022015). Collection method: clinical testing. Allele origin: germline.
Comment: This sequence change creates a premature translational stop signal (p.Glu350*) in the CASR gene. It is expected to result in an absent or disrupted protein product. Loss-of-function variants in CASR are known to be pathogenic (PMID: 11807402, 14985373, 22422767). This variant is not present in population databases (gnomAD no frequency). This variant has not been reported in the literature in individuals affected with CASR-related conditions. For these reasons, this variant has been classified as Pathogenic.

Literature cited by the submitters: PubMed 11807402; PubMed 14985373; PubMed 22422767.